The following is an entry in ClinVar:

NM_018671.5(UNC45A):c.2572C>G (p.Gln858Glu)

Genes: RCCD1-AS1 (RCCD1 and UNC45A antisense RNA 1; minus strand), UNC45A (unc-45 myosin chaperone A; plus strand). Cytogenetic location: 15q26.1.
Variant type: single nucleotide variant.
Coding change: c.2572C>G on transcript NM_018671.5 (MANE Select); coding-DNA position 2572, C replaced by G.
Protein change: p.Gln858Glu; replaces glutamine 858 with glutamic acid.
Molecular consequence: missense variant.
Genome position (GRCh38, 1-based): chr15:90,953,305, C>G. VCF-style: chr15-90953305-C-G. GRCh37 (hg19) VCF-style: chr15-91496535-C-G.
Other names: c.2527C>G, p.Gln843Glu (NM_001039675.2, NM_001323621.2); c.2572C>G, p.Gln858Glu (NM_001323619.1); c.2137C>G, p.Gln713Glu (NM_001323620.2); short protein forms Q713E, Q843E, Q858E.
Identifiers: ClinVar variation 1371003 (VCV001371003.4), dbSNP rs778468216, ClinGen allele CA7743339.

ClinVar aggregate classification (germline): Uncertain significance (1 of 4 stars; one submission).

Allele frequency attached by ClinVar (database versions not stated): gnomAD exomes 0.00002 and 0.00004; ExAC 0.00004; TOPMed 0.00011; gnomAD 0.00012.
gnomAD v4.1: 44 of 1,607,912 alleles (0.0027%); highest among the groups gnomAD compares: African/African-American, 0.047%; no homozygotes.

Submission:

Labcorp Genetics (formerly Invitae), Labcorp
Classification: Uncertain significance. Last evaluated: 2024-10-26. Review status: criteria provided, single submitter. Criteria: Invitae Variant Classification Sherloc (09022015). Collection method: clinical testing. Allele origin: germline.
Comment: This sequence change replaces glutamine, which is neutral and polar, with glutamic acid, which is acidic and polar, at codon 858 of the UNC45A protein (p.Gln858Glu). This variant is present in population databases (rs778468216, gnomAD 0.04%). This variant has not been reported in the literature in individuals affected with UNC45A-related conditions. ClinVar contains an entry for this variant (Variation ID: 1371003). Invitae Evidence Modeling of protein sequence and biophysical properties (such as structural, functional, and spatial information, amino acid conservation, physicochemical variation, residue mobility, and thermodynamic stability) indicates that this missense variant is not expected to disrupt UNC45A protein function with a negative predictive value of 80%. In summary, the available evidence is currently insufficient to determine the role of this variant in disease. Therefore, it has been classified as a Variant of Uncertain Significance.